The following is an entry in ClinVar:

NM_006393.3(NEBL):c.2855A>T (p.His952Leu)

Gene: NEBL (nebulette; minus strand). Cytogenetic location: 10p12.31.
Variant type: single nucleotide variant.
Coding change: c.2855A>T on transcript NM_006393.3 (MANE Select); coding-DNA position 2855, A replaced by T.
Protein change: p.His952Leu; replaces histidine 952 with leucine.
Molecular consequence: missense variant.
Genome position (GRCh38, 1-based): chr10:20,787,215, T>A on the plus strand (A>T on the coding strand, the complement: NEBL is on the minus strand). VCF-style: chr10-20787215-T-A. GRCh37 (hg19) VCF-style: chr10-21076144-T-A.
Other names: c.623A>T, p.His208Leu (NM_001173484.2, NM_213569.2); c.716A>T, p.His239Leu (NM_001377322.1); c.575A>T, p.His192Leu (NM_001377323.1); c.566A>T, p.His189Leu (NM_001377324.1); c.557A>T, p.His186Leu (NM_001377325.1); c.515A>T, p.His172Leu (NM_001377326.1, NM_001377327.1, NM_001377328.1); short protein forms H186L, H192L, H172L, H189L, H952L, H208L, H239L.
Identifiers: ClinVar variation 4118405 (VCV004118405.1).
Genomic context (GRCh38, chr10:20,787,215, plus strand): 5'-GAAATGGGAAGACCAGCTAAGGAGGAACGTATCAAATGGACACTTACTAGATTTGGTGAA[T>A]GCTGCATTGATCTCATGGATGACACACTGGTCTGGTGCATGTAGCCATAGCCTTGGGAAT-3'
Protein context (NP_006384.1, residues 942-962): TSVSSMRSMQ[His952Leu]SPNLRTYRAM

ClinVar aggregate classification (germline): Uncertain significance (1 of 4 stars; one submission).

Submission:

Ambry Genetics
Classification: Uncertain significance. Last evaluated: 2025-07-28. Review status: criteria provided, single submitter. Criteria: Ambry Variant Classification Scheme 2023. Collection method: clinical testing. Allele origin: germline.
Comment: The p.H952L variant (also known as c.2855A>T), located in coding exon 27 of the NEBL gene, results from an A to T substitution at nucleotide position 2855. The histidine at codon 952 is replaced by leucine, an amino acid with similar properties. This amino acid position is conserved. In addition, this alteration is predicted to be tolerated by in silico analysis. Based on the available evidence, the clinical significance of this variant remains unclear.